The following is an entry in ClinVar:

ClinVar aggregate classification (germline): Uncertain significance (0 of 4 stars; one submission).

Conditions:
FGFR1-related disorder. Also called: FGFR1-related condition; FGFR1-related disorders. Identifiers: MedGen CN380097.

gnomAD v4.1: 6 of 233,434 alleles (0.0026%); highest among the groups gnomAD compares: Non-Finnish European, 0.0042%; no homozygotes.

Submission:

PreventionGenetics, part of Exact Sciences
Classification: Uncertain significance for FGFR1-related condition. Last evaluated: 2024-06-28. Review status: no assertion criteria provided. Collection method: clinical testing. Allele origin: germline.
Comment: The FGFR1 c.2032G>A variant is predicted to result in the amino acid substitution p.Asp678Asn. To our knowledge, this variant has not been reported in the literature or in a large population database, indicating this variant is rare. At this time, the clinical significance of this variant is uncertain due to the absence of conclusive functional and genetic evidence.

NM_023110.3(FGFR1):c.*1045G>A

Genes: FGFR1 (fibroblast growth factor receptor 1; minus strand), LOC102723716 (uncharacterized LOC102723716; minus strand). Cytogenetic location: 8p11.23.
Variant type: single nucleotide variant.
Coding change: c.*1045G>A on transcript NM_023110.3 (MANE Select); 1045 bases downstream of the stop codon, G replaced by A.
Molecular consequence: 3 prime UTR variant. On other transcripts: non-coding transcript variant (1), missense variant (3).
Genome position (GRCh38, 1-based): chr8:38,412,583, C>T on the plus strand (G>A on the coding strand, the complement: FGFR1 is on the minus strand). VCF-style: chr8-38412583-C-T. GRCh37 (hg19) VCF-style: chr8-38270101-C-T.
Other names: c.*1045G>A (NM_001174063.2, NM_001174064.2, NM_001174065.2 and 7 more transcripts); c.2299G>A, p.Asp767Asn (NM_001354367.2); c.2293G>A, p.Asp765Asn (NM_001354369.2); c.2032G>A, p.Asp678Asn (NM_001354370.2); short protein forms D678N, D765N, D767N.
Identifiers: ClinVar variation 3355700 (VCV003355700.1).
Genomic context (GRCh38, chr8:38,412,583, plus strand): 5'-GACATCTTCTTTTTCTGACTTTCCAAAAGCAGCGGAGAGGCAGGAGGTGCGTCGTGAGGT[C>T]TGGGTGCAGGACCTAGGAAGAAGAGGTTACAAGGAACCTGCGCCGGGAGCATGCGGTGCC-3'